The following is an entry in ClinVar:

ClinVar aggregate classification (germline): Likely pathogenic (1 of 4 stars; one submission).

Conditions:
Epidermolysis bullosa simplex with nail dystrophy (EBS5D). Identifiers: MedGen C4225309, MONDO:0014661, OMIM 616487.
Epidermolysis bullosa simplex, Ogna type (EBS5A). Also called: Pidermolysis bullosa simplex 5A, Ogna type; EPIDERMOLYSIS BULLOSA SIMPLEX 5A, OGNA TYPE. Identifiers: Orphanet 79401, MedGen C0432317, MONDO:0007555, OMIM 131950.
Autosomal recessive limb-girdle muscular dystrophy type 2Q (LGMDR17). Also called: MUSCULAR DYSTROPHY, LIMB-GIRDLE, AUTOSOMAL RECESSIVE 17. Identifiers: Orphanet 254361, MedGen C3150989, MONDO:0013390, OMIM 613723.
Epidermolysis bullosa simplex 5B, with muscular dystrophy (EBS5B). Also called: EPIDERMOLYSIS BULLOSA SIMPLEX AND LIMB-GIRDLE MUSCULAR DYSTROPHY; Epidermolysis bullosa simplex with muscular dystrophy. Identifiers: Orphanet 257, MedGen C2931072, MONDO:0009181, OMIM 226670.
Epidermolysis bullosa simplex 5C, with pyloric atresia (EBS5C). Also called: PLEC-Related Epidermolysis Bullosa with Pyloric Atresia; Epidermolysis bullosa simplex with pyloric atresia; PLEC1-Related Epidermolysis Bullosa with Pyloric Atresia. Identifiers: Orphanet 158684, MedGen C2677349, MONDO:0012807, OMIM 612138.

Submission:

Labcorp Genetics (formerly Invitae), Labcorp
Classification: Likely pathogenic for Autosomal recessive limb-girdle muscular dystrophy type 2Q; Epidermolysis bullosa simplex, Ogna type; Epidermolysis bullosa simplex with nail dystrophy; Epidermolysis bullosa simplex 5C, with pyloric atresia; Epidermolysis bullosa simplex 5B, with muscular dystrophy. Last evaluated: 2024-12-23. Review status: criteria provided, single submitter. Criteria: Invitae Variant Classification Sherloc (09022015). Collection method: clinical testing. Allele origin: germline.
Comment: This sequence change affects a donor splice site in intron 9 of the PLEC gene. It is expected to disrupt RNA splicing. Variants that disrupt the donor or acceptor splice site typically lead to a loss of protein function (PMID: 16199547), and loss-of-function variants in PLEC are known to be pathogenic (PMID: 20301336, 20447487, 21109228, 23289980, 28824526). This variant is present in population databases (no rsID available, gnomAD 0.006%). This variant has not been reported in the literature in individuals affected with PLEC-related conditions. Algorithms developed to predict the effect of sequence changes on RNA splicing suggest that this variant may disrupt the consensus splice site. In summary, the currently available evidence indicates that the variant is pathogenic, but additional data are needed to prove that conclusively. Therefore, this variant has been classified as Likely Pathogenic.

Literature cited by the submitters: PubMed 16199547; PubMed 20301336; PubMed 20447487; PubMed 21109228; PubMed 23289980; PubMed 28824526.

NM_201384.3(PLEC):c.825+1G>A

Gene: PLEC (plectin; minus strand). Cytogenetic location: 8q24.3.
Variant type: single nucleotide variant.
Coding change: c.825+1G>A on transcript NM_201384.3 (MANE Select); the canonical splice donor site of the intron after coding-DNA position 825, G replaced by A.
Molecular consequence: splice donor variant.
Genome position (GRCh38, 1-based): chr8:143,935,010, C>T on the plus strand (G>A on the coding strand, the complement: PLEC is on the minus strand). VCF-style: chr8-143935010-C-T. GRCh37 (hg19) VCF-style: chr8-145009178-C-T.
Other names: c.906+1G>A (NM_001410941.1, NM_000445.5); c.783+1G>A (NM_201378.4); c.759+1G>A (NM_201379.3); c.1236+1G>A (NM_201380.4); c.729+1G>A (NM_201381.3); c.825+1G>A (NM_201382.4); c.837+1G>A (NM_201383.3).
Identifiers: ClinVar variation 3753322 (VCV003753322.2).
Genomic context (GRCh38, chr8:143,935,010, plus strand): 5'-CTGTCAGGGGTCGTCGGGGCGTCCAGGCCCAAGCCCCCTGCCCTCCGGGCCCCCCACTCA[C>T]GTTGGCCCTCACCCCATCCTGCACGTCCGGCACGCGGGGCATGGCGTCATACAGCGACGA-3'